The following is an entry in ClinVar:

NM_020868.6(DPP10):c.2254C>A (p.Gln752Lys)

Gene: DPP10 (dipeptidyl peptidase like 10; plus strand). Cytogenetic location: 2q14.1.
Variant type: single nucleotide variant.
Coding change: c.2254C>A on transcript NM_020868.6 (MANE Select); coding-DNA position 2254, C replaced by A.
Protein change: p.Gln752Lys; replaces glutamine 752 with lysine.
Molecular consequence: missense variant. On other transcripts: intron variant (1).
Genome position (GRCh38, 1-based): chr2:115,840,821, C>A. VCF-style: chr2-115840821-C-A. GRCh37 (hg19) VCF-style: chr2-116598397-C-A.
Other names: c.2233C>A, p.Gln745Lys (NM_001004360.5, NM_001321906.2); c.2266C>A, p.Gln756Lys (NM_001178034.1); c.2104C>A, p.Gln702Lys (NM_001178036.3, NM_001321910.3, NM_001321911.3 and 1 more transcripts); c.2242C>A, p.Gln748Lys (NM_001178037.3); c.2305C>A, p.Gln769Lys (NM_001321905.3); c.2215C>A, p.Gln739Lys (NM_001321907.3); c.2164C>A, p.Gln722Lys (NM_001321908.3); c.2137C>A, p.Gln713Lys (NM_001321909.3); and 3 more; short protein forms Q498K, Q668K, Q702K, Q713K, Q722K, Q739K, Q745K, Q748K.
Identifiers: ClinVar variation 3037826 (VCV003037826.2), dbSNP rs146482002, ClinGen allele CA1843572.

ClinVar aggregate classification (germline): Likely benign (0 of 4 stars; one submission).

Conditions:
DPP10-related disorder. Also called: DPP10-related condition.

Allele frequency attached by ClinVar (database versions not stated): 1000 Genomes Project 30x 0.00265; 1000 Genomes Project 0.00280; ExAC 0.00309; ESP Exome Variant Server 0.00361; gnomAD 0.00375; TOPMed 0.00427; gnomAD exomes 0.00540.
gnomAD v4.1: 8,377 of 1,609,792 alleles (0.52%); highest among the groups gnomAD compares: Non-Finnish European, 0.63%; 23 homozygotes.

Submission:

PreventionGenetics, part of Exact Sciences
Classification: Likely benign for DPP10-related condition. Last evaluated: 2023-04-14. Review status: no assertion criteria provided. Collection method: clinical testing. Allele origin: germline.
Comment: This variant is classified as likely benign based on ACMG/AMP sequence variant interpretation guidelines (Richards et al. 2015 PMID: 25741868, with internal and published modifications).